The following is an entry in ClinVar:

NM_002528.7(NTHL1):c.182A>G (p.Glu61Gly)

Gene: NTHL1 (nth like DNA glycosylase 1; minus strand). Cytogenetic location: 16p13.3.
Variant type: single nucleotide variant.
Coding change: c.182A>G on transcript NM_002528.7 (MANE Select); coding-DNA position 182, A replaced by G.
Protein change: p.Glu61Gly; replaces glutamic acid 61 with glycine.
Molecular consequence: missense variant.
Genome position (GRCh38, 1-based): chr16:2,046,300, T>C on the plus strand (A>G on the coding strand, the complement: NTHL1 is on the minus strand). VCF-style: chr16-2046300-T-C. GRCh37 (hg19) VCF-style: chr16-2096301-T-C.
Other names: c.182A>G, p.Glu61Gly (NM_001318193.2); c.4A>G, p.Arg2Gly (NM_001318194.2); short protein forms R2G, E61G.
Identifiers: ClinVar variation 971661 (VCV000971661.13), dbSNP rs2084381041, ClinGen allele CA394297734.

ClinVar aggregate classification (germline): Uncertain significance. Review status: criteria provided, multiple submitters, no conflicts (2 of 4 stars). 3 submissions from 3 submitters: Uncertain significance (3). Last evaluated 2025-09-20.

Conditions:
Hereditary cancer-predisposing syndrome. Also called: Neoplastic Syndromes, Hereditary; Hereditary Cancer Syndrome; Tumor predisposition; Hereditary neoplastic syndrome. Identifiers: Orphanet 140162, MedGen C0027672, MeSH D009386, MONDO:0015356.

Submissions (3):

Ambry Genetics
Classification: Uncertain significance for Hereditary cancer-predisposing syndrome. Last evaluated: 2025-09-20. Review status: criteria provided, single submitter. Criteria: Ambry Variant Classification Scheme 2023. Collection method: clinical testing. Allele origin: germline.
Comment: The p.E69G variant (also known as c.206A>G), located in coding exon 2 of the NTHL1 gene, results from an A to G substitution at nucleotide position 206. The glutamic acid at codon 69 is replaced by glycine, an amino acid with similar properties. This amino acid position is conserved. In addition, this alteration is predicted to be tolerated by in silico analysis. Based on the available evidence, the clinical significance of this variant remains unclear.

Labcorp Genetics (formerly Invitae), Labcorp
Classification: Uncertain significance. Last evaluated: 2025-06-06. Review status: criteria provided, single submitter. Criteria: Invitae Variant Classification Sherloc (09022015). Collection method: clinical testing. Allele origin: germline.
Comment: This sequence change replaces glutamic acid, which is acidic and polar, with glycine, which is neutral and non-polar, at codon 69 of the NTHL1 protein (p.Glu69Gly). This variant is not present in population databases (gnomAD no frequency). This variant has not been reported in the literature in individuals affected with NTHL1-related conditions. ClinVar contains an entry for this variant (Variation ID: 971661). An algorithm developed to predict the effect of missense changes on protein structure and function (PolyPhen-2) suggests that this variant is likely to be tolerated. In summary, the available evidence is currently insufficient to determine the role of this variant in disease. Therefore, it has been classified as a Variant of Uncertain Significance.

GeneDx
Classification: Uncertain significance. Last evaluated: 2019-08-13. Review status: criteria provided, single submitter. Criteria: GeneDx Variant Classification Process June 2021. Collection method: clinical testing. Allele origin: germline. Affected: yes.
Comment: Not observed in large population cohorts (Lek 2016); In silico analysis, which includes protein predictors and evolutionary conservation, supports a deleterious effect; Has not been previously published as pathogenic or benign to our knowledge